The following is an entry in ClinVar:

ClinVar aggregate classification (germline): Uncertain significance (1 of 4 stars; one submission).

Submission:

Greenwood Genetic Center Diagnostic Laboratories, Greenwood Genetic Center
Classification: Uncertain significance. Last evaluated: 2026-04-13. Review status: criteria provided, single submitter. Criteria: ACMG Guidelines, 2015. Collection method: clinical testing. Allele origin: germline.
Comment: PM2, BP4

NM_000126.4(ETFA):c.733+3361G>A

Gene: ETFA (electron transfer flavoprotein subunit alpha; minus strand). Cytogenetic location: 15q24.2.
Variant type: single nucleotide variant.
Coding change: c.733+3361G>A on transcript NM_000126.4 (MANE Select); 3361 bases into the intron after coding-DNA position 733, G replaced by A.
Molecular consequence: intron variant.
Genome position (GRCh38, 1-based): chr15:76,280,396, C>T on the plus strand (G>A on the coding strand, the complement: ETFA is on the minus strand). VCF-style: chr15-76280396-C-T. GRCh37 (hg19) VCF-style: chr15-76572737-C-T.
Other names: c.586+3361G>A (NM_001127716.2).
Identifiers: ClinVar variation 4891212 (VCV004891212.1).